The following is an entry in ClinVar:

ClinVar aggregate classification (germline): Uncertain significance. Review status: criteria provided, multiple submitters, no conflicts (2 of 4 stars). 5 submissions from 5 submitters: Uncertain significance (5). Last evaluated 2025-09-01.

Conditions:
Hypokalemic periodic paralysis, type 1. Also called: Hypokalemic Periodic Paralysis Type 1 (AD); HypoPP. Identifiers: Orphanet 681, MedGen C3714580, MONDO:0042979, OMIM 170400.
Malignant hyperthermia, susceptibility to, 5 (MHS5). Also called: CACNA1S-Related Malignant Hyperthermia Susceptibility. Identifiers: Orphanet 423, MedGen C1866077, MONDO:0011163, OMIM 601887.
Inborn genetic diseases. Identifiers: MedGen C0950123, MeSH D030342.
Thyrotoxic periodic paralysis, susceptibility to, 1 (TTPP1). Identifiers: Orphanet 79102, MedGen C2749982, MONDO:0008570, OMIM 188580.
Congenital myopathy 18. Also called: Myopathy, congenital, due to dihydropyridine receptor defect; DIHYDROPYRIDINE RECEPTOR CONGENITAL MYOPATHY; DHPR CONGENITAL MYOPATHY. Identifiers: MedGen C5830283, MONDO:0859514, OMIM 620246.

Allele frequency attached by ClinVar (database versions not stated): ExAC 0.00001; gnomAD exomes 0.00001; TOPMed 0.00004; ESP Exome Variant Server 0.00008.
gnomAD v4.1: 12 of 1,614,102 alleles (0.00074%); highest among the groups gnomAD compares: African/African-American, 0.004%; no homozygotes.

Submissions (5):

Ambry Genetics
Classification: Uncertain significance for Inborn genetic diseases. Last evaluated: 2025-09-01. Review status: criteria provided, single submitter. Criteria: Ambry Variant Classification Scheme 2023. Collection method: clinical testing. Allele origin: germline.

Fulgent Genetics
Classification: Uncertain significance for Hypokalemic periodic paralysis, type 1; Thyrotoxic periodic paralysis, susceptibility to, 1; Malignant hyperthermia, susceptibility to, 5; Congenital myopathy 18. Last evaluated: 2024-06-04. Review status: criteria provided, single submitter. Criteria: ACMG Guidelines, 2015. Collection method: clinical testing. Allele origin: germline.

Color Diagnostics, LLC DBA Color Health
Classification: Uncertain significance for Malignant hyperthermia, susceptibility to, 5. Last evaluated: 2024-03-28. Review status: criteria provided, single submitter. Criteria: ACMG Guidelines, 2015. Collection method: clinical testing. Allele origin: germline.
Comment: This missense variant replaces asparagine with serine at codon 596 of the CACNA1S protein. Computational prediction suggests that this variant may not impact protein structure and function. To our knowledge, functional studies have not been reported for this variant. This variant has not been reported in individuals affected with CACNA1S-related disorders in the literature. This variant has been identified in 2/251492 chromosomes in the general population by the Genome Aggregation Database (gnomAD). The available evidence is insufficient to determine the role of this variant in disease conclusively. Therefore, this variant is classified as a Variant of Uncertain Significance.

All of Us Research Program, National Institutes of Health
Classification: Uncertain significance for Malignant hyperthermia, susceptibility to, 5. Last evaluated: 2023-11-30. Review status: criteria provided, single submitter. Criteria: ACMG Guidelines, 2015. Collection method: clinical testing. Allele origin: germline. Inheritance: Autosomal dominant inheritance. Observed: 1 variant allele, 1 heterozygote.
Comment: This study involves interpretation of variants in research participants for the purpose of population health screening. Participant phenotype was not available at the time of variant classification. Additional details can be found in publication PMID: 35346344, PMCID: PMC8962531

Labcorp Genetics (formerly Invitae), Labcorp
Classification: Uncertain significance for Hypokalemic periodic paralysis, type 1; Malignant hyperthermia, susceptibility to, 5. Last evaluated: 2022-10-31. Review status: criteria provided, single submitter. Criteria: Invitae Variant Classification Sherloc (09022015). Collection method: clinical testing. Allele origin: germline.
Comment: In summary, the available evidence is currently insufficient to determine the role of this variant in disease. Therefore, it has been classified as a Variant of Uncertain Significance. Advanced modeling of protein sequence and biophysical properties (such as structural, functional, and spatial information, amino acid conservation, physicochemical variation, residue mobility, and thermodynamic stability) performed at Invitae indicates that this missense variant is not expected to disrupt CACNA1S protein function. ClinVar contains an entry for this variant (Variation ID: 852266). This variant has not been reported in the literature in individuals affected with CACNA1S-related conditions. This variant is present in population databases (rs376841055, gnomAD 0.007%). This sequence change replaces asparagine, which is neutral and polar, with serine, which is neutral and polar, at codon 596 of the CACNA1S protein (p.Asn596Ser).

NM_000069.3(CACNA1S):c.1787A>G (p.Asn596Ser)

Gene: CACNA1S (calcium voltage-gated channel subunit alpha1 S; minus strand). Cytogenetic location: 1q32.1.
Variant type: single nucleotide variant.
Coding change: c.1787A>G on transcript NM_000069.3 (MANE Select); coding-DNA position 1787, A replaced by G.
Protein change: p.Asn596Ser; replaces asparagine 596 with serine.
Molecular consequence: missense variant.
Genome position (GRCh38, 1-based): chr1:201,076,960, T>C on the plus strand (A>G on the coding strand, the complement: CACNA1S is on the minus strand). VCF-style: chr1-201076960-T-C. GRCh37 (hg19) VCF-style: chr1-201046088-T-C.
Other names: short protein forms N596S.
Identifiers: ClinVar variation 852266 (VCV000852266.12), dbSNP rs376841055, ClinGen allele CA078568.